The following is an entry in ClinVar:

ClinVar aggregate classification (germline): Uncertain significance. Review status: criteria provided, multiple submitters, no conflicts (2 of 4 stars). 2 submissions from 2 submitters: Uncertain significance (2). Last evaluated 2021-10-06.

Conditions:
Inborn genetic diseases. Identifiers: MedGen C0950123, MeSH D030342.

Allele frequency attached by ClinVar (database versions not stated): TOPMed below 0.00001; gnomAD 0.00001; gnomAD exomes 0.00001.
gnomAD v4.1: 8 of 1,613,610 alleles (0.0005%); highest among the groups gnomAD compares: South Asian, 0.0011%; no homozygotes.

Submissions (2):

Ambry Genetics
Classification: Uncertain significance for Inborn genetic diseases. Last evaluated: 2021-10-06. Review status: criteria provided, single submitter. Criteria: Ambry Variant Classification Scheme 2023. Collection method: clinical testing. Allele origin: germline.

Labcorp Genetics (formerly Invitae), Labcorp
Classification: Uncertain significance. Last evaluated: 2021-08-31. Review status: criteria provided, single submitter. Criteria: Invitae Variant Classification Sherloc (09022015). Collection method: clinical testing. Allele origin: germline.
Comment: This sequence change replaces asparagine with serine at codon 321 of the LIFR protein (p.Asn321Ser). The asparagine residue is weakly conserved and there is a small physicochemical difference between asparagine and serine. This variant is not present in population databases (ExAC no frequency). This variant has not been reported in the literature in individuals affected with LIFR-related conditions. Algorithms developed to predict the effect of missense changes on protein structure and function output the following: SIFT: "Tolerated"; PolyPhen-2: "Benign"; Align-GVGD: "Class C0". The serine amino acid residue is found in multiple mammalian species, which suggests that this missense change does not adversely affect protein function. In summary, the available evidence is currently insufficient to determine the role of this variant in disease. Therefore, it has been classified as a Variant of Uncertain Significance.

NM_001127671.2(LIFR):c.962A>G (p.Asn321Ser)

Gene: LIFR (LIF receptor subunit alpha; minus strand). Cytogenetic location: 5p13.1.
Variant type: single nucleotide variant.
Coding change: c.962A>G on transcript NM_001127671.2 (MANE Select); coding-DNA position 962, A replaced by G.
Protein change: p.Asn321Ser; replaces asparagine 321 with serine.
Molecular consequence: missense variant.
Genome position (GRCh38, 1-based): chr5:38,510,493, T>C on the plus strand (A>G on the coding strand, the complement: LIFR is on the minus strand). VCF-style: chr5-38510493-T-C. GRCh37 (hg19) VCF-style: chr5-38510595-T-C.
Other names: c.962A>G, p.Asn321Ser (NM_001364297.2, NM_001364298.2, NM_002310.6); c.962A>G (NM_002310.5); short protein forms N321S.
Identifiers: ClinVar variation 1438635 (VCV001438635.6), dbSNP rs202224745, ClinGen allele CA117162221.
Genomic context (GRCh38, chr5:38,510,493, plus strand): 5'-AGGAATTCTCTCTTTAAAATCATATACTTACATCCAGCAAAAATAACGGTTCCAAATATG[T>C]TATCTTCGGTTGTAAAAACTACATTTGTTCCACTACTTGCAGAAACAGAAATATTACGAA-3'
Protein context (NP_001121143.1, residues 311-331): GTNVVFTTED[Asn321Ser]IFGTVIFAGY